The following is an entry in ClinVar:

NM_001370466.1(NOD2):c.1863C>G (p.Cys621Trp)

Gene: NOD2 (nucleotide binding oligomerization domain containing 2; plus strand). Cytogenetic location: 16q12.1.
Variant type: single nucleotide variant.
Coding change: c.1863C>G on transcript NM_001370466.1 (MANE Select); coding-DNA position 1863, C replaced by G.
Protein change: p.Cys621Trp; replaces cysteine 621 with tryptophan.
Molecular consequence: missense variant. On other transcripts: non-coding transcript variant (1).
Genome position (GRCh38, 1-based): chr16:50,711,855, C>G. VCF-style: chr16-50711855-C-G. GRCh37 (hg19) VCF-style: chr16-50745766-C-G.
Other names: c.1863C>G, p.Cys621Trp (NM_001293557.2); c.1944C>G, p.Cys648Trp (NM_022162.3); short protein forms C621W, C648W.
Identifiers: ClinVar variation 1956615 (VCV001956615.5), dbSNP rs78848722, ClinGen allele CA8051652.

ClinVar aggregate classification (germline): Uncertain significance (1 of 4 stars; one submission).

Conditions:
Blau syndrome (BLAUS). Also called: JABS SYNDROME; ARTHROCUTANEOUVEAL GRANULOMATOSIS; GRANULOMATOSIS, FAMILIAL JUVENILE SYSTEMIC; GRANULOMATOSIS, FAMILIAL, BLAU TYPE; GRANULOMATOUS INFLAMMATORY ARTHRITIS, DERMATITIS, AND UVEITIS, FAMILIAL. Identifiers: Orphanet 90340, MedGen C5201146, MONDO:0008523, OMIM 186580.
Regional enteritis. Also called: Enteritis, Granulomatous. Identifiers: MedGen C0678202, MeSH D003424.

Allele frequency attached by ClinVar (database versions not stated): gnomAD exomes below 0.00001; ExAC 0.00001; gnomAD 0.00001; TOPMed 0.00003; ESP Exome Variant Server 0.00008.
gnomAD v4.1: 3 of 1,611,902 alleles (0.00019%); highest among the groups gnomAD compares: African/African-American, 0.004%; no homozygotes.

Submission:

Labcorp Genetics (formerly Invitae), Labcorp
Classification: Uncertain significance for Regional enteritis; Blau syndrome. Last evaluated: 2022-05-03. Review status: criteria provided, single submitter. Criteria: Invitae Variant Classification Sherloc (09022015). Collection method: clinical testing. Allele origin: germline.
Comment: This variant is present in population databases (rs78848722, gnomAD 0.01%). This sequence change replaces cysteine, which is neutral and slightly polar, with tryptophan, which is neutral and slightly polar, at codon 648 of the NOD2 protein (p.Cys648Trp). In summary, the available evidence is currently insufficient to determine the role of this variant in disease. Therefore, it has been classified as a Variant of Uncertain Significance. Advanced modeling of protein sequence and biophysical properties (such as structural, functional, and spatial information, amino acid conservation, physicochemical variation, residue mobility, and thermodynamic stability) performed at Invitae indicates that this missense variant is not expected to disrupt NOD2 protein function. This variant has not been reported in the literature in individuals affected with NOD2-related conditions.